The following is an entry in ClinVar:

NM_004204.5(PIGQ):c.1133G>C (p.Cys378Ser)

Gene: PIGQ (phosphatidylinositol glycan anchor biosynthesis class Q; plus strand). Cytogenetic location: 16p13.3.
Variant type: single nucleotide variant.
Coding change: c.1133G>C on transcript NM_004204.5 (MANE Select); coding-DNA position 1133, G replaced by C.
Protein change: p.Cys378Ser; replaces cysteine 378 with serine.
Molecular consequence: missense variant.
Genome position (GRCh38, 1-based): chr16:578,848, G>C. VCF-style: chr16-578848-G-C. GRCh37 (hg19) VCF-style: chr16-628848-G-C.
Other names: c.1133G>C, p.Cys378Ser (NM_148920.4); short protein forms C378S.
Identifiers: ClinVar variation 1947267 (VCV001947267.4), dbSNP rs1452995669, ClinGen allele CA394056932.

ClinVar aggregate classification (germline): Uncertain significance (1 of 4 stars; one submission).

Conditions:
Epilepsy. Also called: Seizure disorder. Identifiers: MedGen C0014544, MeSH D004827, MONDO:0005027.

Allele frequency attached by ClinVar (database versions not stated): gnomAD exomes below 0.00001; gnomAD 0.00001; TOPMed 0.00001.
gnomAD v4.1: 8 of 1,613,658 alleles (0.0005%); highest among the groups gnomAD compares: East Asian, 0.0045%; no homozygotes.

Submission:

Labcorp Genetics (formerly Invitae), Labcorp
Classification: Uncertain significance for Epilepsy. Last evaluated: 2022-04-02. Review status: criteria provided, single submitter. Criteria: Invitae Variant Classification Sherloc (09022015). Collection method: clinical testing. Allele origin: germline.
Comment: In summary, the available evidence is currently insufficient to determine the role of this variant in disease. Therefore, it has been classified as a Variant of Uncertain Significance. Algorithms developed to predict the effect of missense changes on protein structure and function are either unavailable or do not agree on the potential impact of this missense change (SIFT: "Deleterious"; PolyPhen-2: "Possibly Damaging"; Align-GVGD: "Class C0"). This variant has not been reported in the literature in individuals affected with PIGQ-related conditions. This variant is present in population databases (no rsID available, gnomAD 0.01%). This sequence change replaces cysteine, which is neutral and slightly polar, with serine, which is neutral and polar, at codon 378 of the PIGQ protein (p.Cys378Ser).